The following is an entry in ClinVar:

NM_033305.3(VPS13A):c.8036-9C>T

Gene: VPS13A (vacuolar protein sorting 13 homolog A; plus strand). Cytogenetic location: 9q21.2.
Variant type: single nucleotide variant.
Coding change: c.8036-9C>T on transcript NM_033305.3 (MANE Select); 9 bases into the intron before coding-DNA position 8036, C replaced by T.
Molecular consequence: intron variant.
Genome position (GRCh38, 1-based): chr9:77,359,324, C>T. VCF-style: chr9-77359324-C-T. GRCh37 (hg19) VCF-style: chr9-79974240-C-T.
Other names: c.8036-9C>T (NM_033305.2, NM_015186.4, NM_001018038.3); c.7919-9C>T (NM_001018037.2).
Identifiers: ClinVar variation 1981062 (VCV001981062.7), dbSNP rs763707588, ClinGen allele CA5093526.
Genomic context (GRCh38, chr9:77,359,324, plus strand): 5'-ATATTGGAAGAAAATGCCTAGCTTTTGCTTAAAGCATCATGGGAGTAATTATATTTATAA[C>T]CTTTACAGCACCAAAGCCCTTTACAGATGTCAGTATTGTCATGAGATCTGCAGGACATTC-3'

ClinVar aggregate classification (germline): Likely benign. Review status: criteria provided, single submitter (1 of 4 stars). 3 submissions from 3 submitters: Likely benign (1). 2 of the submissions do not count toward it. Last evaluated 2023-04-08.

Conditions:
VPS13A-related neurodegenerative disease. Also called: Choreoacanthocytosis; Chorea-acanthocytosis; VPS13A Disease; LEVINE-CRITCHLEY SYNDROME; ACANTHOCYTOSIS WITH NEUROLOGIC DISORDER; Choreaacanthocytosis. Identifiers: Orphanet 2388, MedGen C0393576, MONDO:0008695, OMIM 200150.
VPS13A-related disorder. Also called: VPS13A-related condition.

Allele frequency attached by ClinVar (database versions not stated): ExAC 0.00001; TOPMed 0.00001.
gnomAD v4.1: 12 of 1,612,404 alleles (0.00074%); highest among the groups gnomAD compares: Admixed American, 0.0083%; no homozygotes.

Submissions (3):

Labcorp Genetics (formerly Invitae), Labcorp
Classification: Likely benign. Last evaluated: 2023-04-08. Review status: criteria provided, single submitter. Criteria: Invitae Variant Classification Sherloc (09022015). Collection method: clinical testing. Allele origin: germline.

Natera, Inc.
Classification: Uncertain significance for Choreaacanthocytosis. Last evaluated: 2025-03-07. Review status: no assertion criteria provided. Collection method: clinical testing. Allele origin: germline. Not counted in ClinVar's aggregate classification.

PreventionGenetics, part of Exact Sciences
Classification: Likely benign for VPS13A-related condition. Last evaluated: 2019-02-20. Review status: no assertion criteria provided. Collection method: clinical testing. Allele origin: germline. Not counted in ClinVar's aggregate classification.
Comment: This variant is classified as likely benign based on ACMG/AMP sequence variant interpretation guidelines (Richards et al. 2015 PMID: 25741868, with internal and published modifications).